The following is an entry in ClinVar:

NM_001128148.3(TFRC):c.1513C>G (p.Leu505Val)

Gene: TFRC (transferrin receptor; minus strand). Cytogenetic location: 3q29.
Variant type: single nucleotide variant.
Coding change: c.1513C>G on transcript NM_001128148.3 (MANE Select); coding-DNA position 1513, C replaced by G.
Protein change: p.Leu505Val; replaces leucine 505 with valine.
Molecular consequence: missense variant.
Genome position (GRCh38, 1-based): chr3:196,060,203, G>C on the plus strand (C>G on the coding strand, the complement: TFRC is on the minus strand). VCF-style: chr3-196060203-G-C. GRCh37 (hg19) VCF-style: chr3-195787074-G-C.
Other names: c.1270C>G, p.Leu424Val (NM_001313965.2); c.667C>G, p.Leu223Val (NM_001313966.2); c.1513C>G, p.Leu505Val (NM_003234.4); short protein forms L223V, L424V, L505V.
Identifiers: ClinVar variation 2787302 (VCV002787302.3), dbSNP rs1031390822, ClinGen allele CA90747829.

ClinVar aggregate classification (germline): Uncertain significance (1 of 4 stars; one submission).

Submission:

Labcorp Genetics (formerly Invitae), Labcorp
Classification: Uncertain significance. Last evaluated: 2025-02-17. Review status: criteria provided, single submitter. Criteria: Invitae Variant Classification Sherloc (09022015). Collection method: clinical testing. Allele origin: germline.
Comment: This sequence change replaces leucine, which is neutral and non-polar, with valine, which is neutral and non-polar, at codon 505 of the TFRC protein (p.Leu505Val). This variant is not present in population databases (gnomAD no frequency). This variant has not been reported in the literature in individuals affected with TFRC-related conditions. ClinVar contains an entry for this variant (Variation ID: 2787302). Invitae Evidence Modeling of protein sequence and biophysical properties (such as structural, functional, and spatial information, amino acid conservation, physicochemical variation, residue mobility, and thermodynamic stability) indicates that this missense variant is not expected to disrupt TFRC protein function with a negative predictive value of 80%. In summary, the available evidence is currently insufficient to determine the role of this variant in disease. Therefore, it has been classified as a Variant of Uncertain Significance.